The following is an entry in ClinVar:

NM_000346.4(SOX9):c.1031dup (p.Pro345fs)

Gene: SOX9 (SRY-box transcription factor 9; plus strand). Cytogenetic location: 17q24.3.
Variant type: Duplication.
Coding change: c.1031dup on transcript NM_000346.4 (MANE Select); coding-DNA position 1031, one base duplicated (C; older notation c.1031dupC).
Protein change: p.Pro345fs; shifts the reading frame from proline 345.
Molecular consequence: frameshift variant.
Genome position (GRCh38, 1-based): chr17:72,123,888, C duplicated; the last of 2 consecutive C bases (chr17:72,123,887-72,123,888); duplicating either gives the same sequence. VCF-style (leftmost placement, unchanged base first): chr17-72123886-G-GC. GRCh37 (hg19) VCF-style: chr17-70120027-G-GC.
Other names: short protein forms P345fs.
Identifiers: ClinVar variation 817692 (VCV000817692.1), dbSNP rs1598176657, ClinGen allele CA915952176.

ClinVar aggregate classification (germline): Pathogenic (1 of 4 stars; one submission).

Submission:

GeneDx
Classification: Pathogenic. Last evaluated: 2018-06-28. Review status: criteria provided, single submitter. Criteria: GeneDx Variant Classification (06012015). Collection method: clinical testing. Allele origin: germline. Affected: yes.
Comment: The c.1031dupC variant in the SOX9 gene has not been reported previously as a pathogenic variant nor as a benign variant, to our knowledge. The c.1031dupC variant causes a frameshift starting with codon Proline 345, changes this amino acid to a Threonine residue, and creates a Stop codon at position 233 of the new reading frame, denoted p.Pro345ThrfsX233. This frameshift variant replaces the typical last 165 amino acid residues in the SOX9 protein with 232 different amino acid residues, which is predicted to cause loss of normal protein function. The c.1031dupC variant is not observed in large population cohorts (Lek et al., 2016). We interpret c.1031dupC as a pathogenic variant.